The following is an entry in ClinVar:

ClinVar aggregate classification (germline): Uncertain significance (1 of 4 stars; one submission).

gnomAD v4.1: 1 of 1,613,090 alleles (0.000062%); highest among the groups gnomAD compares: Non-Finnish European, 0.000085%; no homozygotes.

Submission:

Labcorp Genetics (formerly Invitae), Labcorp
Classification: Uncertain significance. Last evaluated: 2025-07-08. Review status: criteria provided, single submitter. Criteria: Invitae Variant Classification Sherloc (09022015). Collection method: clinical testing. Allele origin: germline.
Comment: This sequence change falls in intron 8 of the MTMR14 gene. It does not directly change the encoded amino acid sequence of the MTMR14 protein. It affects a nucleotide within the consensus splice site. This variant is not present in population databases (gnomAD no frequency). This variant has not been reported in the literature in individuals affected with MTMR14-related conditions. Variants that disrupt the consensus splice site are a relatively common cause of aberrant splicing (PMID: 17576681, 9536098). Algorithms developed to predict the effect of sequence changes on RNA splicing suggest that this variant may disrupt the consensus splice site. In summary, the available evidence is currently insufficient to determine the role of this variant in disease. Therefore, it has been classified as a Variant of Uncertain Significance.

Literature cited by the submitters: PubMed 17576681; PubMed 9536098.

NM_001077525.3(MTMR14):c.822+3A>G

Gene: MTMR14 (myotubularin related protein 14; plus strand). Cytogenetic location: 3p25.3.
Variant type: single nucleotide variant.
Coding change: c.822+3A>G on transcript NM_001077525.3 (MANE Select); 3 bases into the intron after coding-DNA position 822, A replaced by G.
Molecular consequence: intron variant.
Genome position (GRCh38, 1-based): chr3:9,677,390, A>G. VCF-style: chr3-9677390-A-G. GRCh37 (hg19) VCF-style: chr3-9719074-A-G.
Other names: c.891+3A>G (NM_001400518.1, NM_001400521.1, NM_001400526.1); c.180+3A>G (NM_001400542.1, NM_001400534.1, NM_001400541.1 and 9 more transcripts); c.822+3A>G (NM_001077526.3, NM_022485.5, NM_001400520.1 and 2 more transcripts); c.36+4632A>G (NM_001400547.1, NM_001400548.1, NM_001400544.1 and 1 more transcripts); c.819+3A>G (NM_001400519.1, NM_001400522.1); c.576+3A>G (NM_001400524.1, NM_001400527.1, NM_001400530.1 and 1 more transcripts); c.573+3A>G (NM_001400531.1); c.540+3A>G (NM_001400525.1, NM_001400529.1, NM_001400532.1 and 1 more transcripts).
Identifiers: ClinVar variation 4700250 (VCV004700250.1).